The following is an entry in ClinVar:

ClinVar aggregate classification (germline): Pathogenic/Likely pathogenic. Review status: criteria provided, multiple submitters, no conflicts (2 of 4 stars). 2 submissions from 2 submitters: Pathogenic (1); Likely pathogenic (1). Last evaluated 2025-07-10.

Conditions:
Hereditary nonpolyposis colorectal neoplasms. Identifiers: MedGen C0009405, MeSH D003123.
Hereditary nonpolyposis colon cancer (HNPCC). Also called: Hereditary nonpolyposis colorectal cancer; Familial nonpolyposis colon cancer; Hereditary Nonpolyposis Colorectal Cancer Syndrome. Identifiers: Orphanet 443909, MedGen C1333990, MONDO:0018630. Disease mechanism: loss of function.

Submissions (2):

Women's Health and Genetics/Laboratory Corporation of America, LabCorp
Classification: Likely pathogenic for Hereditary nonpolyposis colon cancer. Last evaluated: 2025-07-10. Review status: criteria provided, single submitter. Criteria: LabCorp Variant Classification Summary - May 2015. Collection method: clinical testing. Allele origin: germline.
Comment: Variant summary: MSH6 c.3556+2_3556+3insTT alters a conserved nucleotide located close to a canonical splice site and therefore could affect mRNA splicing, leading to a significantly altered protein sequence. Several computational tools predict a significant impact on normal splicing: One predicts the variant abolishes a 5' splicing donor site. Three predict the variant weakens a 5' donor site. Studies have shown that this variant affects mRNA splicing and results in skipping of exon 6 and introduces a premature termination codon (internal data). To our knowledge, no occurrence of c.3556+2_3556+3insTT in individuals affected with Lynch Syndrome has been reported. ClinVar contains an entry for this variant (Variation ID: 665497). Based on the evidence outlined above, the variant was classified as likely pathogenic.

Labcorp Genetics (formerly Invitae), Labcorp
Classification: Pathogenic for Hereditary nonpolyposis colorectal neoplasms. Last evaluated: 2024-02-13. Review status: criteria provided, single submitter. Criteria: Invitae Variant Classification Sherloc (09022015). Collection method: clinical testing. Allele origin: germline.
Comment: This sequence change falls in intron 6 of the MSH6 gene. It does not directly change the encoded amino acid sequence of the MSH6 protein. RNA analysis indicates that this variant induces altered splicing and may result in an absent or disrupted protein product. This variant is not present in population databases (gnomAD no frequency). This variant has not been reported in the literature in individuals affected with MSH6-related conditions. ClinVar contains an entry for this variant (Variation ID: 665497). Variants that disrupt the consensus splice site are a relatively common cause of aberrant splicing (PMID: 17576681, 9536098). Studies have shown that this variant results in skipping of exon 6 and introduces a premature termination codon (Invitae). The resulting mRNA is expected to undergo nonsense-mediated decay. For these reasons, this variant has been classified as Pathogenic.

Literature cited by the submitters: PubMed 17576681 (cited by Labcorp Genetics (formerly Invitae), Labcorp); PubMed 9536098 (cited by Labcorp Genetics (formerly Invitae), Labcorp).

NM_000179.3(MSH6):c.3556+2_3556+3insTT

Gene: MSH6 (mutS homolog 6; plus strand). Cytogenetic location: 2p16.3.
Variant type: Insertion.
Coding change: c.3556+2_3556+3insTT on transcript NM_000179.3 (MANE Select); the canonical splice donor site of the intron after coding-DNA position 3556 through 3 bases into the intron after coding-DNA position 3556, TT inserted.
Molecular consequence: splice donor variant.
Genome position: GRCh38 VCF-style: chr2-47805028-G-GTT. GRCh37 (hg19) VCF-style: chr2-48032167-G-GTT.
Other names: c.2650+2_2650+3insTT (NM_001281493.2, NM_001281494.2); c.3166+2_3166+3insTT (NM_001281492.2).
Identifiers: ClinVar variation 665497 (VCV000665497.8), dbSNP rs1572739097, ClinGen allele CA915943959.